The following is an entry in ClinVar:

NM_015100.4(POGZ):c.3041del (p.Gln1014fs)

Gene: POGZ (pogo transposable element derived with ZNF domain; minus strand). Cytogenetic location: 1q21.3.
Variant type: Deletion.
Coding change: c.3041del on transcript NM_015100.4 (MANE Select); coding-DNA position 3041, one base deleted (A; older notation c.3041delA).
Protein change: p.Gln1014fs; shifts the reading frame from glutamine 1014.
Molecular consequence: frameshift variant.
Genome position (GRCh38, 1-based): chr1:151,405,994, T deleted on the plus strand (A on the coding strand, the reverse complement: POGZ is on the minus strand). VCF-style (leftmost placement, unchanged base first): chr1-151405993-CT-C. GRCh37 (hg19) VCF-style: chr1-151378469-CT-C.
Other names: c.3014del, p.Gln1005fs (NM_001194937.2); c.2855del, p.Gln952fs (NM_001194938.2); c.2756del, p.Gln919fs (NM_145796.4); c.2882del, p.Gln961fs (NM_207171.2); c.3041del (NM_015100.3); short protein forms Q1014fs, Q919fs, Q952fs, Q961fs, Q1005fs.
Identifiers: ClinVar variation 207798 (VCV000207798.32), dbSNP rs796052217, ClinGen allele CA319617.

ClinVar aggregate classification (germline): Pathogenic/Likely pathogenic. Review status: criteria provided, multiple submitters, no conflicts (2 of 4 stars). 7 submissions from 7 submitters: Pathogenic (4); Likely pathogenic (2). 1 of the submissions does not count toward it. Last evaluated 2024-08-09.

Conditions:
Inborn genetic diseases. Identifiers: MedGen C0950123, MeSH D030342.
Intellectual disability-microcephaly-strabismus-behavioral abnormalities syndrome. Also called: White-Sutton Syndrome. Identifiers: Orphanet 468678, MedGen C4225351, MONDO:0014606, OMIM 616364.
Global developmental delay (DD). Also called: Cognitive delay. Identifiers: MedGen C0557874, HP:0001263. Disease mechanism: loss of function.
Speech apraxia. Identifiers: MedGen C0264611, HP:0011098.
Intellectual disability. Also called: Intellectual functioning disability; intellectual disabilities; Intellectual developmental disorder. Identifiers: MedGen C3714756, MeSH D008607, MONDO:0001071, HP:0001249.

Submissions (7):

Ambry Genetics
Classification: Pathogenic for Inborn genetic diseases. Last evaluated: 2024-08-09. Review status: criteria provided, single submitter. Criteria: Ambry Variant Classification Scheme 2023. Collection method: clinical testing. Allele origin: germline.
Comment: The c.3041delA (p.Q1014Rfs*5) alteration, located in exon 19 (coding exon 18) of the POGZ gene, consists of a deletion of one nucleotide at position 3041, causing a translational frameshift with a predicted alternate stop codon after 5 amino acids. This alteration occurs at the 3' terminus of the POGZ gene, is not expected to trigger nonsense-mediated mRNA decay, and impacts the last 28% of the protein. Premature stop codons are typically deleterious in nature, the impacted region is critical for protein function, and a significant portion of the protein is affected (Ambry internal data). This variant was not reported in population-based cohorts in the Genome Aggregation Database (gnomAD). This variant has been determined to be the result of a de novo mutation in multiple individuals with features consistent with White-Sutton syndrome (Ye 2015; Batzir 2020). Based on the available evidence, this alteration is classified as pathogenic.

CeGaT Center for Human Genetics Tuebingen
Classification: Pathogenic. Last evaluated: 2024-03-01. Review status: criteria provided, single submitter. Criteria: CeGaT Center For Human Genetics Tuebingen Variant Classification Criteria Version 2. Collection method: clinical testing. Allele origin: germline. Affected: yes. Observed: 1 variant allele.
Comment: POGZ: PVS1:Strong, PM2, PS2:Moderate, PS4:Moderate

Genome-Nilou Lab
Classification: Likely pathogenic for Intellectual disability-microcephaly-strabismus-behavioral abnormalities syndrome. Last evaluated: 2023-04-11. Review status: criteria provided, single submitter. Criteria: ACMG Guidelines, 2015. Collection method: clinical testing. Allele origin: germline. Affected: no.

GeneDx
Classification: Pathogenic. Last evaluated: 2023-03-24. Review status: criteria provided, single submitter. Criteria: GeneDx Variant Classification Process June 2021. Collection method: clinical testing. Allele origin: germline. Affected: yes.
Comment: Reported as a likely pathogenic heterozygous variant in a Qatari cohort of individuals with neurocognitive phenotypes (PMID: 26077850); Frameshift variant predicted to result in protein truncation, as the last 397 amino acids are replaced with 4 different amino acids, and other loss-of-function variants have been reported downstream in HGMD; Not observed at significant frequency in large population cohorts (gnomAD); This variant is associated with the following publications: (PMID: 33057194, 37236975, 35982159, 26942287, 34529370, 27148570, 31782611, 26077850)

Diagnostic Laboratory, Strasbourg University Hospital
Classification: Likely pathogenic for Intellectual disability. Last evaluated: 2020-04-20. Review status: criteria provided, single submitter. Criteria: ACMG Guidelines, 2015. Collection method: clinical testing. Allele origin: de novo. Inheritance: Autosomal dominant inheritance. Affected: yes. Observed: 1 heterozygote.

Genomic Medicine Lab, University of California San Francisco
Classification: Pathogenic for Global developmental delay; Speech apraxia. Last evaluated: 2018-11-29. Review status: criteria provided, single submitter. Criteria: ACMG Guidelines, 2015. Collection method: clinical testing. Allele origin: paternal. Inheritance: Autosomal dominant inheritance. Affected: yes. Study: CSER.

GeneReviews
No classification provided. Condition: Intellectual disability-microcephaly-strabismus-behavioral abnormalities syndrome. Review status: no classification provided. Collection method: literature only. Allele origin: germline. Not counted in ClinVar's aggregate classification.
Comment: Recurrent variant

Literature cited by the submitters: PubMed 26077850 (cited by GeneReviews); PubMed 27148570 (cited by GeneReviews); PubMed 31782611 (cited by GeneReviews).